The following is an entry in ClinVar:

NM_001557.4(CXCR2):c.877G>A (p.Asp293Asn)

Gene: CXCR2 (C-X-C motif chemokine receptor 2; plus strand). Cytogenetic location: 2q35.
Variant type: single nucleotide variant.
Coding change: c.877G>A on transcript NM_001557.4 (MANE Select); coding-DNA position 877, G replaced by A.
Protein change: p.Asp293Asn; replaces aspartic acid 293 with asparagine.
Molecular consequence: missense variant.
Genome position (GRCh38, 1-based): chr2:218,135,678, G>A. VCF-style: chr2-218135678-G-A. GRCh37 (hg19) VCF-style: chr2-219000401-G-A.
Other names: p.Asp293Asn; c.877G>A, p.Asp293Asn (NM_001168298.2); short protein forms D293N.
Identifiers: ClinVar variation 2693810 (VCV002693810.4), dbSNP rs771747617, ClinGen allele CA2101803.
Genomic context (GRCh38, chr2:218,135,678, plus strand): 5'-GCAGACACCCTCATGAGGACCCAGGTGATCCAGGAGACCTGTGAGCGCCGCAATCACATC[G>A]ACCGGGCTCTGGATGCCACCGAGATTCTGGGCATCCTTCACAGCTGCCTCAACCCCCTCA-3'
Protein context (NP_001548.1, residues 283-303): QETCERRNHI[Asp293Asn]RALDATEILG

ClinVar aggregate classification (germline): Uncertain significance. Review status: criteria provided, multiple submitters, no conflicts (2 of 4 stars). 2 submissions from 2 submitters: Uncertain significance (2). Last evaluated 2025-12-23.

Allele frequency attached by ClinVar (database versions not stated): ExAC 0.00002; gnomAD exomes 0.00001; TOPMed 0.00001.

Submissions (2):

Labcorp Genetics (formerly Invitae), Labcorp
Classification: Uncertain significance. Last evaluated: 2025-12-23. Review status: criteria provided, single submitter. Criteria: Invitae Variant Classification Sherloc (09022015). Collection method: clinical testing. Allele origin: germline.
Comment: This sequence change replaces aspartic acid, which is acidic and polar, with asparagine, which is neutral and polar, at codon 293 of the CXCR2 protein (p.Asp293Asn). This variant is present in population databases (rs771747617, gnomAD 0.006%). This variant has not been reported in the literature in individuals affected with CXCR2-related conditions. ClinVar contains an entry for this variant (Variation ID: 2693810). An algorithm developed to predict the effect of missense changes on protein structure and function outputs the following: PolyPhen-2: "Benign". The asparagine amino acid residue is found in multiple mammalian species, which suggests that this missense change does not adversely affect protein function. In summary, the available evidence is currently insufficient to determine the role of this variant in disease. Therefore, it has been classified as a Variant of Uncertain Significance.

Mayo Clinic Laboratories, Mayo Clinic
Classification: Uncertain significance. Last evaluated: 2024-03-13. Review status: criteria provided, single submitter. Criteria: ACMG Guidelines, 2015. Collection method: clinical testing. Allele origin: germline. Observed: 1 variant allele.
Comment: BP4